The following is an entry in ClinVar:

ClinVar aggregate classification (germline): Uncertain significance (1 of 4 stars; one submission).

Conditions:
Mitochondrial DNA depletion syndrome 13. Also called: FBXL4-Related Encephalomyopathic Mitochondrial DNA Depletion Syndrome; Mitochondrial DNA depletion syndrome 13 (encephalomyopathic type). Identifiers: Orphanet 369897, MedGen C3809592, MONDO:0014198, OMIM 615471.

gnomAD v4.1: 2 of 1,614,022 alleles (0.00012%); no homozygotes.

Submission:

Wong Mito Lab, Molecular and Human Genetics, Baylor College of Medicine
Classification: Uncertain significance for Mitochondrial DNA depletion syndrome 13. Last evaluated: 2017-08-10. Review status: criteria provided, single submitter. Criteria: ACMG Guidelines, 2015. Collection method: reference population. Allele origin: germline.
Comment: The NM_012160.4:c.645A>C (NP_036292.2:p.Glu215Asp) [GRCH38: NC_000006.12:g.98917587T>G] variant in FBXL4 gene is interpretated to be a Uncertain Significance - Insufficient Evidence based on ACMG guidelines (PMID: 25741868). This variant meets one or more of the following evidence codes reported in the ACMG-guideline. PM2:This variant is absent in key population databases. Based on this evidence code ClinGen Pathogenicity Calculator (PMID:28081714) suggested that the variant is Uncertain Significance - Insufficient Evidence.

NM_001278716.2(FBXL4):c.645A>C (p.Glu215Asp)

Gene: FBXL4 (F-box and leucine rich repeat protein 4; minus strand). Cytogenetic location: 6q16.2.
Variant type: single nucleotide variant.
Coding change: c.645A>C on transcript NM_001278716.2 (MANE Select); coding-DNA position 645, A replaced by C.
Protein change: p.Glu215Asp; replaces glutamic acid 215 with aspartic acid.
Molecular consequence: missense variant.
Genome position (GRCh38, 1-based): chr6:98,917,587, T>G on the plus strand (A>C on the coding strand, the complement: FBXL4 is on the minus strand). VCF-style: chr6-98917587-T-G. GRCh37 (hg19) VCF-style: chr6-99365463-T-G.
Other names: c.645A>C, p.Glu215Asp (NM_012160.5); short protein forms E215D.
Identifiers: ClinVar variation 437609 (VCV000437609.1), dbSNP rs752917494, ClinGen allele CA3933643.